The following is an entry in ClinVar:

NM_000059.4(BRCA2):c.8886_8950del (p.Leu2962fs)

Gene: BRCA2 (BRCA2 DNA repair associated; plus strand). Cytogenetic location: 13q13.1.
Variant type: Deletion.
Coding change: c.8886_8950del on transcript NM_000059.4 (MANE Select); coding-DNA positions 8886 to 8950, 65 bases deleted.
Protein change: p.Leu2962fs; shifts the reading frame from leucine 2962.
Molecular consequence: frameshift variant.
Genome position (GRCh38, 1-based): chr13:32,379,448-32,379,512, 65 bases deleted. GRCh37 (hg19): chr13:32,953,585-32,953,649.
Other names: c.8886_8950delATCAAGGGATGTCACAACCGTGTGGAAGTTGCGTATTGTAAGCTATTCAAAAAAAGAAAAAGATT (NM_000059.3); short protein forms L2962fs.
Identifiers: ClinVar variation 462500 (VCV000462500.7), dbSNP rs1555288389, ClinGen allele CA658656406.

ClinVar aggregate classification (germline): Pathogenic (1 of 4 stars; one submission).

Conditions:
Hereditary breast ovarian cancer syndrome. Also called: Hereditary breast and ovarian cancer syndrome (HBOC); Hereditary breast and ovarian cancer syndrome; Breast and ovarian cancer; Hereditary breast and/or ovarian cancer syndrome; Hereditary breast and ovarian cancer; BRCA1- and BRCA2-Associated Hereditary Breast and Ovarian Cancer. Identifiers: Orphanet 145, MedGen C0677776, MeSH D061325, MONDO:0003582. Disease mechanism: loss of function.

Submission:

Labcorp Genetics (formerly Invitae), Labcorp
Classification: Pathogenic for Hereditary breast ovarian cancer syndrome. Last evaluated: 2017-01-27. Review status: criteria provided, single submitter. Criteria: Invitae Variant Classification Sherloc (09022015). Collection method: clinical testing. Allele origin: germline.
Comment: For these reasons, this variant has been classified as Pathogenic. While this particular variant has not been reported in the literature, loss-of-function variants in BRCA2 are known to be pathogenic (PMID: 20104584). This sequence change deletes 65 nucleotides from exon 22 of the BRCA2 mRNA (c.8886_8950del), causing a frameshift at codon 2962. This creates a premature translational stop signal (p.Leu2962Phefs*34) and is expected to result in an absent or disrupted protein product.

Literature cited by the submitters: PubMed 20104584.